The following is an entry in ClinVar:

NM_001318852.2(MAPK8IP3):c.3046G>T (p.Ala1016Ser)

Gene: MAPK8IP3 (mitogen-activated protein kinase 8 interacting protein 3; plus strand). Cytogenetic location: 16p13.3.
Variant type: single nucleotide variant.
Coding change: c.3046G>T on transcript NM_001318852.2 (MANE Select); coding-DNA position 3046, G replaced by T.
Protein change: p.Ala1016Ser; replaces alanine 1016 with serine.
Molecular consequence: missense variant.
Genome position (GRCh38, 1-based): chr16:1,766,929, G>T. VCF-style: chr16-1766929-G-T. GRCh37 (hg19) VCF-style: chr16-1816930-G-T.
Other names: c.3025G>T, p.Ala1009Ser (NM_001040439.2); c.3043G>T, p.Ala1015Ser (NM_015133.5, NM_033392.3); short protein forms A1009S, A1015S, A1016S.
Identifiers: ClinVar variation 2501861 (VCV002501861.1), dbSNP rs2548112729, ClinGen allele CA394237098.

ClinVar aggregate classification (germline): Uncertain significance (1 of 4 stars; one submission).

Submission:

GeneDx
Classification: Uncertain significance. Last evaluated: 2022-11-09. Review status: criteria provided, single submitter. Criteria: GeneDx Variant Classification Process June 2021. Collection method: clinical testing. Allele origin: germline. Affected: yes.
Comment: Not observed at significant frequency in large population cohorts (gnomAD); In silico analysis supports that this missense variant has a deleterious effect on protein structure/function; Has not been previously published as pathogenic or benign to our knowledge